The following is an entry in ClinVar:

NM_001903.5(CTNNA1):c.1375G>A (p.Ala459Thr)

Gene: CTNNA1 (catenin alpha 1; plus strand). Cytogenetic location: 5q31.2.
Variant type: single nucleotide variant.
Coding change: c.1375G>A on transcript NM_001903.5 (MANE Select); coding-DNA position 1375, G replaced by A.
Protein change: p.Ala459Thr; replaces alanine 459 with threonine.
Molecular consequence: missense variant. On other transcripts: 5 prime UTR variant (4), intron variant (3).
Genome position (GRCh38, 1-based): chr5:138,904,427, G>A. VCF-style: chr5-138904427-G-A. GRCh37 (hg19) VCF-style: chr5-138240116-G-A.
Other names: c.1375G>A, p.Ala459Thr (NM_001290307.3, NM_001323982.2, NM_001323983.1 and 2 more transcripts); c.1066G>A, p.Ala356Thr (NM_001290309.3); c.1006G>A, p.Ala336Thr (NM_001290310.3); c.265G>A, p.Ala89Thr (NM_001290312.1, NM_001323987.1, NM_001323988.1 and 17 more transcripts); c.-133G>A (NM_001324006.1, NM_001324007.1, NM_001324008.1 and 1 more transcripts); c.22G>A, p.Ala8Thr (NM_001324012.1, NM_001324013.1); c.1297-13315G>A (NM_001323986.2); c.187-13315G>A (NM_001324011.1); and 1 more; short protein forms A336T, A459T, A89T, A8T, A356T.
Identifiers: ClinVar variation 2563285 (VCV002563285.2), dbSNP rs2533354400, ClinGen allele CA361136027.
Genomic context (GRCh38, chr5:138,904,427, plus strand): 5'-TCCATCTCAAATAATGAAGAAGGTGTAAAGCTTGTTCGAATGTCTGCAAGCCAGTTAGAA[G>A]CCCTCTGTCCTCAGGTAAAGTACAACTGACACTGGTGACAGCATAACCAAATTAAATTTT-3'
Protein context (NP_001894.2, residues 449-469): LVRMSASQLE[Ala459Thr]LCPQVINAAL

ClinVar aggregate classification (germline): Uncertain significance (1 of 4 stars; one submission).

Conditions:
Hereditary cancer-predisposing syndrome. Also called: Neoplastic Syndromes, Hereditary; Hereditary Cancer Syndrome; Hereditary neoplastic syndrome; Tumor predisposition. Identifiers: Orphanet 140162, MedGen C0027672, MeSH D009386, MONDO:0015356.

Submission:

Ambry Genetics
Classification: Uncertain significance for Hereditary cancer-predisposing syndrome. Last evaluated: 2023-05-21. Review status: criteria provided, single submitter. Criteria: Ambry Variant Classification Scheme 2023. Collection method: clinical testing. Allele origin: germline.
Comment: The p.A459T variant (also known as c.1375G>A), located in coding exon 9 of the CTNNA1 gene, results from a G to A substitution at nucleotide position 1375. The alanine at codon 459 is replaced by threonine, an amino acid with similar properties. This amino acid position is conserved. In addition, this alteration is predicted to be tolerated by in silico analysis. Since supporting evidence is limited at this time, the clinical significance of this alteration remains unclear.